The following is an entry in ClinVar:

ClinVar aggregate classification (germline): Uncertain significance (1 of 4 stars; one submission).

Submission:

Ambry Genetics
Classification: Uncertain significance. Last evaluated: 2025-07-31. Review status: criteria provided, single submitter. Criteria: Ambry Variant Classification Scheme 2023. Collection method: clinical testing. Allele origin: germline.
Comment: The p.G1155S variant (also known as c.3463G>A), located in coding exon 14 of the WNK2 gene, results from a G to A substitution at nucleotide position 3463. The glycine at codon 1155 is replaced by serine, an amino acid with similar properties. This amino acid position is conserved. In addition, the in silico prediction for this alteration is inconclusive. Based on the available evidence, the clinical significance of this variant remains unclear.

NM_006648.4(WNK2):c.3463G>A (p.Gly1155Ser)

Gene: WNK2 (WNK lysine deficient protein kinase 2; plus strand). Cytogenetic location: 9q22.31.
Variant type: single nucleotide variant.
Coding change: c.3463G>A on transcript NM_006648.4 (MANE Select); coding-DNA position 3463, G replaced by A.
Protein change: p.Gly1155Ser; replaces glycine 1155 with serine.
Molecular consequence: missense variant.
Genome position (GRCh38, 1-based): chr9:93,263,618, G>A. VCF-style: chr9-93263618-G-A. GRCh37 (hg19) VCF-style: chr9-96025900-G-A.
Other names: c.3463G>A, p.Gly1155Ser (NM_001282394.3); short protein forms G1155S.
Identifiers: ClinVar variation 4201686 (VCV004201686.1).